The following is an entry in ClinVar:

ClinVar aggregate classification (germline): Uncertain significance (1 of 4 stars; one submission).

Conditions:
Mucolipidosis type II. Also called: Mucolipidosis II Alpha/Beta; ML II ALPHA/BETA; Mucolipidosis 2; ML 2; Inclusion cell disease; Leroy Disease. Identifiers: Orphanet 576, MedGen C2673377, MONDO:0009650, OMIM 252500.
Pseudo-Hurler polydystrophy. Also called: MUCOLIPIDOSIS IIIA; ML III; ML III ALPHA/BETA; Type III Mucolipidosis; ML IIIA; Mucolipidosis III Alpha/Beta. Identifiers: Orphanet 423461, Orphanet 577, MedGen C0033788, MONDO:0018931, OMIM 252600.

Allele frequency attached by ClinVar (database versions not stated): ExAC 0.00001; gnomAD exomes below 0.00001.
gnomAD v4.1: 1 of 1,613,712 alleles (0.000062%); highest among the groups gnomAD compares: Admixed American, 0.0017%; no homozygotes.

Submission:

Labcorp Genetics (formerly Invitae), Labcorp
Classification: Uncertain significance for Pseudo-Hurler polydystrophy; Mucolipidosis type II. Last evaluated: 2022-05-20. Review status: criteria provided, single submitter. Criteria: Invitae Variant Classification Sherloc (09022015). Collection method: clinical testing. Allele origin: germline.
Comment: In summary, the available evidence is currently insufficient to determine the role of this variant in disease. Therefore, it has been classified as a Variant of Uncertain Significance. Algorithms developed to predict the effect of missense changes on protein structure and function are either unavailable or do not agree on the potential impact of this missense change (SIFT: "Tolerated"; PolyPhen-2: "Probably Damaging"; Align-GVGD: "Class C0"). This variant has not been reported in the literature in individuals affected with GNPTAB-related conditions. This variant is present in population databases (rs765449372, gnomAD 0.003%). This sequence change replaces glutamic acid, which is acidic and polar, with glycine, which is neutral and non-polar, at codon 1173 of the GNPTAB protein (p.Glu1173Gly).

NM_024312.5(GNPTAB):c.3518A>G (p.Glu1173Gly)

Gene: GNPTAB (N-acetylglucosamine-1-phosphate transferase subunits alpha and beta; minus strand). Cytogenetic location: 12q23.2.
Variant type: single nucleotide variant.
Coding change: c.3518A>G on transcript NM_024312.5 (MANE Select); coding-DNA position 3518, A replaced by G.
Protein change: p.Glu1173Gly; replaces glutamic acid 1173 with glycine.
Molecular consequence: missense variant.
Genome position (GRCh38, 1-based): chr12:101,753,456, T>C on the plus strand (A>G on the coding strand, the complement: GNPTAB is on the minus strand). VCF-style: chr12-101753456-T-C. GRCh37 (hg19) VCF-style: chr12-102147234-T-C.
Other names: short protein forms E1173G.
Identifiers: ClinVar variation 1907249 (VCV001907249.5), dbSNP rs765449372, ClinGen allele CA6746129.